The following is an entry in ClinVar:

NM_000834.5(GRIN2B):c.4015_4016del (p.Met1339fs)

Gene: GRIN2B (glutamate ionotropic receptor NMDA type subunit 2B; minus strand). Cytogenetic location: 12p13.1.
Variant type: Deletion.
Coding change: c.4015_4016del on transcript NM_000834.5 (MANE Select); coding-DNA positions 4015 to 4016, 2 bases deleted (AT; older notation c.4015_4016delAT).
Protein change: p.Met1339fs; shifts the reading frame from methionine 1339.
Molecular consequence: frameshift variant.
Genome position (GRCh38, 1-based): chr12:13,563,222-13,563,223, AT deleted on the plus strand (AT on the coding strand, the reverse complement: GRIN2B is on the minus strand). VCF-style (leftmost placement, unchanged base first): chr12-13563221-CAT-C. GRCh37 (hg19) VCF-style: chr12-13716155-CAT-C.
Other names: c.4015_4016del (NM_000834.3); short protein forms M1339fs.
Identifiers: ClinVar variation 588039 (VCV000588039.14), dbSNP rs1565453023, ClinGen allele CA891843472.

ClinVar aggregate classification (germline): Conflicting classifications of pathogenicity. Review status: criteria provided, conflicting classifications (1 of 4 stars). 3 submissions from 3 submitters: Likely pathogenic (2); Uncertain significance (1). Last evaluated 2024-05-21.

Conditions:
Intellectual developmental disorder, autosomal dominant 6, with or without seizures. Also called: Intellectual disability, autosomal dominant 6; GRIN2B-related developmental delay, intellectual disability and autism spectrum disorder. Identifiers: Orphanet 589547, MedGen C3151411, MONDO:0013509, OMIM 613970.
Developmental and epileptic encephalopathy, 27 (DEE27). Also called: GRIN2B-Related Neurodevelopmental Disorder; Epileptic encephalopathy, early infantile, 27. Identifiers: Orphanet 3451, MedGen C4015316, MONDO:0014505, OMIM 616139.
Inborn genetic diseases. Identifiers: MedGen C0950123, MeSH D030342.

Allele frequency attached by ClinVar (database versions not stated): TOPMed below 0.00001.

Submissions (3):

Labcorp Genetics (formerly Invitae), Labcorp
Classification: Uncertain significance for Developmental and epileptic encephalopathy, 27; Intellectual developmental disorder, autosomal dominant 6, with or without seizures. Last evaluated: 2024-05-21. Review status: criteria provided, single submitter. Criteria: Invitae Variant Classification Sherloc (09022015). Collection method: clinical testing. Allele origin: germline.
Comment: This sequence change creates a premature translational stop signal (p.Met1339Valfs*2) in the GRIN2B gene. While this is not anticipated to result in nonsense mediated decay, it is expected to disrupt the last 146 amino acid(s) of the GRIN2B protein. This variant is not present in population databases (gnomAD no frequency). This premature translational stop signal has been observed in individual(s) with seizures (Invitae). ClinVar contains an entry for this variant (Variation ID: 588039). Experimental studies and prediction algorithms are not available or were not evaluated, and the functional significance of this variant is currently unknown. In summary, the available evidence is currently insufficient to determine the role of this variant in disease. Therefore, it has been classified as a Variant of Uncertain Significance.

GeneDx
Classification: Likely pathogenic. Last evaluated: 2023-07-27. Review status: criteria provided, single submitter. Criteria: GeneDx Variant Classification Process June 2021. Collection method: clinical testing. Allele origin: germline. Affected: yes.
Comment: Frameshift variant predicted to result in protein truncation, as the last 146 amino acids are replaced with 1 incorrect amino acid, and other loss-of-function variants have been reported downstream at GeneDx.; Not observed in large population cohorts (gnomAD); Has not been previously published as pathogenic or benign to our knowledge

Ambry Genetics
Classification: Likely pathogenic for Inborn genetic diseases. Last evaluated: 2016-07-14. Review status: criteria provided, single submitter. Criteria: Ambry Variant Classification Scheme 2023. Collection method: clinical testing. Allele origin: germline.
Comment: The c.4015_4016delAT variant (also known as p.M1339VFS*2), located in coding exon 12 of the GRIN2B gene, results from a deletion of two nucleotides at nucleotide positions 4015 to 4016, causing a translational frameshift with a predicted alternate stop codon. This variant was not reported in population based cohorts in the following databases: Database of Single Nucleotide Polymorphisms (dbSNP), NHLBI Exome Sequencing Project (ESP), and 1000 Genomes Project. In the ESP, this variant was not observed in 6503 samples (13006 alleles) with coverage at this position. This amino acid position is well conserved in available vertebrate species. This alteration is expected to result in loss of function by premature protein truncation. Based on the majority of available evidence to date, this variant is likely to be pathogenic.